The following is an entry in ClinVar:

ClinVar aggregate classification (germline): Pathogenic/Likely pathogenic. Review status: criteria provided, multiple submitters, no conflicts (2 of 4 stars). 2 submissions from 2 submitters: Pathogenic (1); Likely pathogenic (1). Last evaluated 2023-12-10.

Conditions:
LAMA2-related muscular dystrophy (LAMA2-RD). Also called: Laminin alpha 2-related dystrophy. Identifiers: MedGen C5679788, MONDO:0100228.
Merosin deficient congenital muscular dystrophy (MDC1A). Also called: Congenital merosin-deficient muscular dystrophy 1A; Congenital Muscular Dystrophy Type 1A (MDC1A). Identifiers: Orphanet 258, MedGen C1263858, MONDO:0011925, OMIM 607855.

Submissions (2):

Baylor Genetics
Classification: Likely pathogenic for Merosin deficient congenital muscular dystrophy. Last evaluated: 2023-12-10. Review status: criteria provided, single submitter. Criteria: ACMG Guidelines, 2015. Collection method: clinical testing. Allele origin: unknown.

Myriad Genetics, Inc.
Classification: Pathogenic for LAMA2-related muscular dystrophy. Last evaluated: 2023-11-05. Review status: criteria provided, single submitter. Criteria: Myriad Autosomal Dominant, Autosomal Recessive and X-Linked Classification Criteria (2023). Collection method: clinical testing. Allele origin: unknown.
Comment: NM_000426.3(LAMA2):c.4137dupA(C1380Mfs*2) is expected to be pathogenic in the context of muscular dystrophy, LAMA2-related. This variant is predicted to lead to an abnormal or absent protein product due to the creation of a premature termination codon in LAMA2, a gene where loss-of-function variants are known to be pathogenic. Please note: this variant was assessed in the context of healthy population screening.

NM_000426.4(LAMA2):c.4137dup (p.Cys1380fs)

Gene: LAMA2 (laminin subunit alpha 2; plus strand). Cytogenetic location: 6q22.33.
Variant type: Duplication.
Coding change: c.4137dup on transcript NM_000426.4 (MANE Select); coding-DNA position 4137, one base duplicated (A; older notation c.4137dupA).
Protein change: p.Cys1380fs; shifts the reading frame from cysteine 1380.
Molecular consequence: frameshift variant.
Genome position (GRCh38, 1-based): chr6:129,320,616, A duplicated; the last of 5 consecutive A bases (chr6:129,320,612-129,320,616); duplicating any one gives the same sequence. VCF-style (leftmost placement, unchanged base first): chr6-129320611-G-GA. GRCh37 (hg19) VCF-style: chr6-129641756-G-GA.
Other names: c.4137dup, p.Cys1380fs (NM_001079823.2); short protein forms C1380fs.
Identifiers: ClinVar variation 3241811 (VCV003241811.2), dbSNP rs2482439925.